The following is an entry in ClinVar:

NM_000111.3(SLC26A3):c.98A>G (p.Lys33Arg)

Gene: SLC26A3 (solute carrier family 26 member 3; minus strand). Cytogenetic location: 7q22.3.
Variant type: single nucleotide variant.
Coding change: c.98A>G on transcript NM_000111.3 (MANE Select); coding-DNA position 98, A replaced by G.
Protein change: p.Lys33Arg; replaces lysine 33 with arginine.
Molecular consequence: missense variant.
Genome position (GRCh38, 1-based): chr7:107,794,412, T>C on the plus strand (A>G on the coding strand, the complement: SLC26A3 is on the minus strand). VCF-style: chr7-107794412-T-C. GRCh37 (hg19) VCF-style: chr7-107434857-T-C.
Other names: short protein forms K33R.
Identifiers: ClinVar variation 2105199 (VCV002105199.4), dbSNP rs1348415941, ClinGen allele CA368854432.

ClinVar aggregate classification (germline): Uncertain significance (1 of 4 stars; one submission).

Submission:

Labcorp Genetics (formerly Invitae), Labcorp
Classification: Uncertain significance. Last evaluated: 2022-03-10. Review status: criteria provided, single submitter. Criteria: Invitae Variant Classification Sherloc (09022015). Collection method: clinical testing. Allele origin: germline.
Comment: This variant is not present in population databases (gnomAD no frequency). This sequence change replaces lysine, which is basic and polar, with arginine, which is basic and polar, at codon 33 of the SLC26A3 protein (p.Lys33Arg). This variant has not been reported in the literature in individuals affected with SLC26A3-related conditions. In summary, the available evidence is currently insufficient to determine the role of this variant in disease. Therefore, it has been classified as a Variant of Uncertain Significance. Advanced modeling of protein sequence and biophysical properties (such as structural, functional, and spatial information, amino acid conservation, physicochemical variation, residue mobility, and thermodynamic stability) performed at Invitae indicates that this missense variant is not expected to disrupt SLC26A3 protein function.